The following is an entry in ClinVar:

ClinVar aggregate classification (germline): Uncertain significance (1 of 4 stars; one submission).

Allele frequency attached by ClinVar (database versions not stated): gnomAD exomes below 0.00001; TOPMed below 0.00001.
gnomAD v4.1: 2 of 1,541,266 alleles (0.00013%); highest among the groups gnomAD compares: Admixed American, 0.002%; no homozygotes.

Submission:

Labcorp Genetics (formerly Invitae), Labcorp
Classification: Uncertain significance. Last evaluated: 2022-03-12. Review status: criteria provided, single submitter. Criteria: Invitae Variant Classification Sherloc (09022015). Collection method: clinical testing. Allele origin: germline.
Comment: In summary, the available evidence is currently insufficient to determine the role of this variant in disease. Therefore, it has been classified as a Variant of Uncertain Significance. Experimental studies and prediction algorithms are not available or were not evaluated, and the functional significance of this variant is currently unknown. This variant has not been reported in the literature in individuals affected with LTBP4-related conditions. The frequency data for this variant in the population databases is considered unreliable, as metrics indicate poor data quality at this position in the gnomAD database. This sequence change replaces alanine, which is neutral and non-polar, with threonine, which is neutral and polar, at codon 281 of the LTBP4 protein (p.Ala281Thr).

NM_001042545.2(LTBP4):c.751G>A (p.Ala251Thr)

Genes: LTBP4 (latent transforming growth factor beta binding protein 4; plus strand), LOC130064475 (ATAC-STARR-seq lymphoblastoid silent region 10639; plus strand). Cytogenetic location: 19q13.2.
Variant type: single nucleotide variant.
Coding change: c.751G>A on transcript NM_001042545.2 (MANE Select); coding-DNA position 751, G replaced by A.
Protein change: p.Ala251Thr; replaces alanine 251 with threonine.
Molecular consequence: missense variant.
Genome position (GRCh38, 1-based): chr19:40,605,789, G>A. VCF-style: chr19-40605789-G-A. GRCh37 (hg19) VCF-style: chr19-41111695-G-A.
Other names: c.952G>A, p.Ala318Thr (NM_001042544.1); c.841G>A, p.Ala281Thr (NM_003573.2); short protein forms A251T, A281T, A318T.
Identifiers: ClinVar variation 2039371 (VCV002039371.4), dbSNP rs1164459215, ClinGen allele CA405933989.
Genomic context (GRCh38, chr19:40,605,789, plus strand): 5'-TGCGCGTCCCCGCTGCCCGGGCTCCGGACGCAGGAGGTCTGCTGCCGAGGGGCCGGCTTG[G>A]CCTGGGGCGTTCACGACTGTCAGCTGTGCTCCGAGCGCCTGGGTAAGCCCCAGGACGTCC-3'
Protein context (NP_001036010.1, residues 241-261): QEVCCRGAGL[Ala251Thr]WGVHDCQLCS